The following is an entry in ClinVar:

NM_001126108.2(SLC12A3):c.1946C>T (p.Thr649Met)

Gene: SLC12A3 (solute carrier family 12 member 3; plus strand). Cytogenetic location: 16q13.
Variant type: single nucleotide variant.
Coding change: c.1946C>T on transcript NM_001126108.2 (MANE Select); coding-DNA position 1946, C replaced by T.
Protein change: p.Thr649Met; replaces threonine 649 with methionine.
Molecular consequence: missense variant.
Genome position (GRCh38, 1-based): chr16:56,886,384, C>T. VCF-style: chr16-56886384-C-T. GRCh37 (hg19) VCF-style: chr16-56920296-C-T.
Other names: c.1946C>T, p.Thr649Met (NM_000339.3); c.1943C>T, p.Thr648Met (NM_001126107.2); short protein forms T649M, T648M.
Identifiers: ClinVar variation 632259 (VCV000632259.25), dbSNP rs145337602, ClinGen allele CA8069670.

ClinVar aggregate classification (germline): Pathogenic/Likely pathogenic. Review status: criteria provided, multiple submitters, no conflicts (2 of 4 stars). 12 submissions from 12 submitters: Pathogenic (6); Likely pathogenic (5). 1 of the submissions does not count toward it. Last evaluated 2026-01-23.

Conditions:
SLC12A3-related disorder. Also called: SLC12A3-related condition.
Familial hypokalemia-hypomagnesemia (GTLMNS). Also called: POTASSIUM AND MAGNESIUM DEPLETION; gitelman syndrome; HYPOMAGNESEMIA-HYPOKALEMIA, PRIMARY RENOTUBULAR, WITH HYPOCALCIURIA. Identifiers: Orphanet 358, MedGen C0268450, MONDO:0009904, OMIM 263800.

Allele frequency attached by ClinVar (database versions not stated): gnomAD 0.00008 and 0.00009; ESP Exome Variant Server 0.00023; TOPMed 0.00014; ExAC 0.00005; gnomAD exomes 0.00004.
gnomAD v4.1: 45 of 1,613,896 alleles (0.0028%); highest among the groups gnomAD compares: African/African-American, 0.027%; no homozygotes.

Submissions (12):

3billion
Classification: Pathogenic for Familial hypokalemia-hypomagnesemia. Last evaluated: 2026-01-23. Review status: criteria provided, single submitter. Criteria: ACMG Guidelines, 2015. Collection method: clinical testing. Allele origin: germline. Affected: yes.
Comment: The variant is observed at an extremely low frequency in the gnomAD v4.1.0 dataset (total allele frequency: 0.003%). Predicted Consequence/Location: Missense variant In silico tool predictions suggest damaging effect of the variant on gene or gene product [3Cnet: 0.99 (> 0.75, sensitivity 0.96 and precision 0.92)]. The same nucleotide change resulting in the same amino acid change has been previously reported as pathogenic/likely pathogenic with strong evidence (ClinVar ID: VCV000632259 /PMID: 18391953). The variant has been reported to co-segregate with the disease in at least 3 similarly affected relatives/individuals in the same family or similarly affected unrelated families (PMID: 9734597). A different missense change at the same codon (p.Thr649Arg) has been reported to be associated with SLC12A3-related disorder (ClinVar ID: VCV003895952 /PMID: 9734597). Therefore, this variant is classified as Pathogenic according to the recommendation of ACMG/AMP guideline.

GeneDx
Classification: Pathogenic. Last evaluated: 2026-01-14. Review status: criteria provided, single submitter. Criteria: GeneDx Variant Classification Process June 2021. Collection method: clinical testing. Allele origin: germline.
Comment: In silico analysis supports that this missense variant has a deleterious effect on protein structure/function; This variant is associated with the following publications: (PMID: 28469853, 25841442, 21415153, 12039972, 9734597, 21256383, 31398183, 31672324, 18391953, 28700713, 19033254, 22679066, 15824853, 34604727, 35915065, 33996672, 34389731, 40441233, Sun2026[casereport])

Genetic Services Laboratory, University of Chicago
Classification: Likely pathogenic. Last evaluated: 2025-10-20. Review status: criteria provided, single submitter. Criteria: ACMG Guidelines, 2015. Collection method: clinical testing. Allele origin: germline.
Comment: The c.1946C>T variant: Results in an amino acid change, p.Thr649Met. Affects a moderately conserved amino acid residue located in a domain of the SLC12A3 protein that is known to be functional. Appears to have contradictory results by in-silico pathogenicity prediction tools. Has been previously described in multiple unrelated individuals with SLC12A3-related disorders (PMIDs: 15824853, 21256383). Is reported in the gnomAD v4 database with a frequency of 0.027% in the African/African American subpopulation (dbSNP rs145337602). ClinVar contains an entry for this variant (Variation ID: 632259). Collectively, this evidence indicates that this variant is likely pathogenic, however functional studies have not been performed to prove this conclusively. The SLC12A3 gene encodes a thiazide-sensitive sodium-chloride cotransporter that localizes to the luminal membrane of the distal convoluted tubule in the kidney and is believed to be the principal mediator of sodium and chloride reabsorption in this nephron segment. Homozygous or compound heterozygous pathogenic variants in SLC12A3 are associated with Gitelman syndrome [OMIM: 263800]. This syndrome is an autosomal recessive renal tubular salt-wasting disorder characterized by hypokalemic metabolic alkalosis with hypomagnesemia and hypocalciuria.

Natera, Inc.
Classification: Pathogenic for Gitelman syndrome. Last evaluated: 2025-09-04. Review status: criteria provided, single submitter. Criteria: Natera Variant Classification Schema (03/2026). Collection method: clinical testing. Allele origin: germline.
Comment: The c.1946C>T variant in SLC12A3 is a missense variant predicted to cause substitution of threonine to methionine at amino acid 649. This variant is rare in the general population with a frequency below the threshold expected for the associated phenotype(s). This variant has been observed in one or more individuals affected with the associated recessive disease, as either homozygous or compound heterozygous with a second variant (PMID: 21256383, 15824853, 34389731, 33238651). Computational prediction algorithms indicate this variant is likely to affect gene or protein function. Given the available evidence, this variant is classified as Pathogenic.

Blueprint Genetics
Classification: Pathogenic for SLC12A3-related disorders. Last evaluated: 2024-11-07. Review status: criteria provided, single submitter. Criteria: ACMG Guidelines, 2015. Collection method: clinical testing. Allele origin: germline. Affected: yes. Observed: 5 variant alleles.

Labcorp Genetics (formerly Invitae), Labcorp
Classification: Pathogenic. Last evaluated: 2024-03-16. Review status: criteria provided, single submitter. Criteria: Invitae Variant Classification Sherloc (09022015). Collection method: clinical testing. Allele origin: germline.
Comment: This sequence change replaces threonine, which is neutral and polar, with methionine, which is neutral and non-polar, at codon 649 of the SLC12A3 protein (p.Thr649Met). This variant is present in population databases (rs145337602, gnomAD 0.04%). This missense change has been observed in individual(s) with Gitelman syndrome (PMID: 21256383, 21415153). In at least one individual the data is consistent with being in trans (on the opposite chromosome) from a pathogenic variant. This variant is also known as c.1945G>A Thr649Met. ClinVar contains an entry for this variant (Variation ID: 632259). Advanced modeling of protein sequence and biophysical properties (such as structural, functional, and spatial information, amino acid conservation, physicochemical variation, residue mobility, and thermodynamic stability) performed at Invitae indicates that this missense variant is expected to disrupt SLC12A3 protein function with a positive predictive value of 95%. This variant disrupts the p.Thr649 amino acid residue in SLC12A3. Other variant(s) that disrupt this residue have been determined to be pathogenic (PMID: 9734597, 12039972, 25841442). This suggests that this residue is clinically significant, and that variants that disrupt this residue are likely to be disease-causing. For these reasons, this variant has been classified as Pathogenic.

Fulgent Genetics
Classification: Likely pathogenic for Familial hypokalemia-hypomagnesemia. Last evaluated: 2024-02-14. Review status: criteria provided, single submitter. Criteria: ACMG Guidelines, 2015. Collection method: clinical testing. Allele origin: germline.

Genome-Nilou Lab
Classification: Likely pathogenic for Familial hypokalemia-hypomagnesemia. Last evaluated: 2021-07-15. Review status: criteria provided, single submitter. Criteria: ACMG Guidelines, 2015. Collection method: clinical testing. Allele origin: germline. Affected: no.

Athena Diagnostics
Classification: Pathogenic. Last evaluated: 2020-12-23. Review status: criteria provided, single submitter. Criteria: Athena Diagnostics criteria. Collection method: clinical testing. Allele origin: unknown.
Comment: The frequency of this variant in the general population is consistent with pathogenicity. This variant appears to segregate with disease in at least one family, however, the available information does not rule out segregation due to chance. In multiple individuals, this variant has been seen with a single recessive pathogenic variant in the same gene, suggesting this variant may also be pathogenic. Computational tools predict that this variant is damaging.

Mendelics
Classification: Likely pathogenic for Familial hypokalemia-hypomagnesemia. Last evaluated: 2019-05-28. Review status: criteria provided, single submitter. Criteria: Mendelics Assertion Criteria 2017. Collection method: clinical testing. Allele origin: unknown.

Illumina Laboratory Services, Illumina
Classification: Likely pathogenic for Familial hypokalemia-hypomagnesemia. Last evaluated: 2018-12-11. Review status: criteria provided, single submitter. Criteria: ICSL Variant Classification Criteria 09 May 2019. Collection method: clinical testing. Allele origin: germline.
Comment: The SLC12A3 c.1946C>T (p.Thr649Met) variant is a missense variant that has been reported in at least four unrelated individuals with Gitelman syndrome, including in a homozygous state in one individual, in a compound heterozygous state in two individuals, and in a heterozygous state in one individual in whom a second variant was not identified (Lemmink et al. 1998; Ji et al. 2008; Sung et al. 2011; Yang et al. 2018). The variant co-segregated with the disease in the family of the homozygous individual, with four affected siblings also found to be homozygous for the variant. The proband of this family was also heterozygous for another missense variant (Lemmink et al. 1998). In addition, the mother of one of the compound heterozygotes, who had asymptomatic hypokalemia, hypomagnesemia, and hypocalciuria, was also compound heterozygous, carrying the p.Thr649Met variant and a different variant in trans. The p.Thr649Met variant, which affects a conserved residue, was absent from 50 control chromosomes but is reported at a frequency of 0.000682 in the African American population of the Exome Sequencing Project. Based on the collective evidence, the p.Thr649Met variant is classified as likely pathogenic for Gitelman syndrome. This variant was observed by ICSL as part of a predisposition screen in an ostensibly healthy population.

PreventionGenetics, part of Exact Sciences
Classification: Pathogenic for SLC12A3-related condition. Last evaluated: 2024-07-27. Review status: no assertion criteria provided. Collection method: clinical testing. Allele origin: germline. Not counted in ClinVar's aggregate classification.
Comment: The SLC12A3 c.1946C>T variant is predicted to result in the amino acid substitution p.Thr649Met. This variant, also referred to as c.1945G>A (p.Thr649Met), has been reported as causative for Gitelman syndrome in multiple individuals (as T649M, Table S3, Ji et al. 2008. PubMed ID: 18391953; Sung et al. 2011. PubMed ID: 21256383; Xia et al. 2017. PubMed ID: 28469853; Zeng et al. 2019. PubMed ID: 31398183). This variant is reported in 0.040% of alleles in individuals of African descent in gnomAD. This variant is interpreted as pathogenic.

Literature cited by the submitters: PubMed 9734597 (cited by 3 submitters); PubMed 18391953 (cited by 3 submitters); PubMed 21256383 (cited by 4 submitters); PubMed 15824853 (cited by Natera, Inc. and Athena Diagnostics); PubMed 34389731 (cited by Natera, Inc.); PubMed 33238651 (cited by Natera, Inc.); PubMed 21415153 (cited by Labcorp Genetics (formerly Invitae), Labcorp and Athena Diagnostics); PubMed 12039972 (cited by Labcorp Genetics (formerly Invitae), Labcorp); PubMed 25841442 (cited by Labcorp Genetics (formerly Invitae), Labcorp); PubMed 28469853 (cited by Athena Diagnostics); PubMed 19033254 (cited by Athena Diagnostics).